The following is an entry in ClinVar:

ClinVar aggregate classification (germline): Likely benign. Review status: criteria provided, multiple submitters, no conflicts (2 of 4 stars). 2 submissions from 2 submitters: Likely benign (2). Last evaluated 2026-01-01.

Allele frequency attached by ClinVar (database versions not stated): gnomAD exomes 0.00001.
gnomAD v4.1: 7 of 1,210,233 alleles (0.00058%); highest among the groups gnomAD compares: South Asian, 0.0088%; no homozygotes.

Submissions (2):

CeGaT Center for Human Genetics Tuebingen
Classification: Likely benign. Last evaluated: 2026-01-01. Review status: criteria provided, single submitter. Criteria: CeGaT Center For Human Genetics Tuebingen Variant Classification Criteria Version 2. Collection method: clinical testing. Allele origin: germline. Affected: yes. Observed: 1 variant allele.
Comment: CLCN4: BP4, BS2

Labcorp Genetics (formerly Invitae), Labcorp
Classification: Likely benign. Last evaluated: 2023-07-17. Review status: criteria provided, single submitter. Criteria: Invitae Variant Classification Sherloc (09022015). Collection method: clinical testing. Allele origin: germline.

NM_001830.4(CLCN4):c.223C>T (p.Leu75=)

Gene: CLCN4 (Cl-/H+ antiporter 4; plus strand). Cytogenetic location: Xp22.2.
Variant type: single nucleotide variant.
Coding change: c.223C>T on transcript NM_001830.4 (MANE Select); coding-DNA position 223, C replaced by T.
Protein change: p.Leu75=; no amino-acid change (leucine 75 retained).
Molecular consequence: synonymous variant. On other transcripts: intron variant (1).
Genome position (GRCh38, 1-based): chrX:10,187,593, C>T. VCF-style: chrX-10187593-C-T. GRCh37 (hg19) VCF-style: chrX-10155633-C-T.
Other names: c.-38-7318C>T (NM_001256944.2).
Identifiers: ClinVar variation 1668555 (VCV001668555.12), dbSNP rs919124115, ClinGen allele CA326599346.
Genomic context (GRCh38, chrX:10,187,593, plus strand): 5'-GAGTCCATATGGGAGTTCATCAAGAGCCTGCTGGATGCCTGGTCGGGATGGGTGGTGATG[C>T]TGCTCATCGGCCTGCTGGCGGGTACGTGGATGGGCATGCGGCACTCCCGTGGGAAGCTGC-3'
Protein context (NP_001821.2, residues 65-85): LDAWSGWVVM[Leu75=]LIGLLAGTLA